The following is an entry in ClinVar:

ClinVar aggregate classification (germline): Benign/Likely benign. Review status: criteria provided, multiple submitters, no conflicts (2 of 4 stars). 3 submissions from 3 submitters: Benign (1); Likely benign (2). Last evaluated 2024-05-20.

Conditions:
Hereditary cancer-predisposing syndrome. Also called: Neoplastic Syndromes, Hereditary; Hereditary neoplastic syndrome; Hereditary Cancer Syndrome; Tumor predisposition. Identifiers: Orphanet 140162, MedGen C0027672, MeSH D009386, MONDO:0015356.
Familial cancer of breast. Also called: hereditary breast carcinoma; Hereditary breast cancer; BREAST CANCER, FAMILIAL. Identifiers: Orphanet 227535, MedGen C0346153, MONDO:0016419, OMIM 114480. Disease mechanism: loss of function.
Ataxia-telangiectasia syndrome (AT). Also called: Cerebello-oculocutaneous telangiectasia; Immunodeficiency with ataxia telangiectasia; Ataxia-telangiectasia, complementation group D; AT, COMPLEMENTATION GROUP C; ATAXIA-TELANGIECTASIA, COMPLEMENTATION GROUP A; ATAXIA-TELANGIECTASIA, FRESNO VARIANT. Identifiers: Orphanet 100, MedGen C0004135, MONDO:0008840, OMIM 208900.

Allele frequency attached by ClinVar (database versions not stated): gnomAD exomes below 0.00001.
gnomAD v4.1: 2 of 1,614,056 alleles (0.00012%); highest among the groups gnomAD compares: Non-Finnish European, 0.00017%; no homozygotes.

Submissions (3):

Myriad Genetics, Inc.
Classification: Benign for Familial cancer of breast. Last evaluated: 2024-05-20. Review status: criteria provided, single submitter. Criteria: Myriad Autosomal Dominant, Autosomal Recessive and X-Linked Classification Criteria (2023). Collection method: clinical testing. Allele origin: unknown.
Comment: This variant is considered benign. This variant is a silent/synonymous amino acid change and it is not expected to impact splicing.

Labcorp Genetics (formerly Invitae), Labcorp
Classification: Likely benign for Ataxia-telangiectasia syndrome. Last evaluated: 2022-08-31. Review status: criteria provided, single submitter. Criteria: Invitae Variant Classification Sherloc (09022015). Collection method: clinical testing. Allele origin: germline.

Ambry Genetics
Classification: Likely benign for Hereditary cancer-predisposing syndrome. Last evaluated: 2021-07-04. Review status: criteria provided, single submitter. Criteria: Ambry Variant Classification Scheme 2023. Collection method: clinical testing. Allele origin: germline.

NM_000051.4(ATM):c.4569A>C (p.Thr1523=)

Gene: ATM (ATM serine/threonine kinase; plus strand). Cytogenetic location: 11q22.3.
Variant type: single nucleotide variant.
Coding change: c.4569A>C on transcript NM_000051.4 (MANE Select); coding-DNA position 4569, A replaced by C.
Protein change: p.Thr1523=; no amino-acid change (threonine 1523 retained).
Molecular consequence: synonymous variant.
Genome position (GRCh38, 1-based): chr11:108,292,751, A>C. VCF-style: chr11-108292751-A-C. GRCh37 (hg19) VCF-style: chr11-108163478-A-C.
Other names: c.4569A>C, p.Thr1523= (NM_001351834.2).
Identifiers: ClinVar variation 1100253 (VCV001100253.12), dbSNP rs1555099963, ClinGen allele CA476674233.